The following is an entry in ClinVar:

ClinVar aggregate classification (germline): Uncertain significance (1 of 4 stars; one submission).

gnomAD v4.1: 1 of 1,209,502 alleles (0.000083%); no homozygotes.

Submission:

GeneDx
Classification: Uncertain significance. Last evaluated: 2025-03-18. Review status: criteria provided, single submitter. Criteria: GeneDx Variant Classification Process June 2021. Collection method: clinical testing. Allele origin: germline. Affected: yes.
Comment: Not observed at significant frequency in large population cohorts (gnomAD); In silico analysis indicates that this missense variant does not alter protein structure/function; Has not been previously published as pathogenic or benign to our knowledge

NM_000489.6(ATRX):c.2439G>C (p.Glu813Asp)

Gene: ATRX (ATRX chromatin remodeler; minus strand). Cytogenetic location: Xq21.1.
Variant type: single nucleotide variant.
Coding change: c.2439G>C on transcript NM_000489.6 (MANE Select); coding-DNA position 2439, G replaced by C.
Protein change: p.Glu813Asp; replaces glutamic acid 813 with aspartic acid.
Molecular consequence: missense variant.
Genome position (GRCh38, 1-based): chrX:77,682,817, C>G on the plus strand (G>C on the coding strand, the complement: ATRX is on the minus strand). VCF-style: chrX-77682817-C-G. GRCh37 (hg19) VCF-style: chrX-76938309-C-G.
Other names: c.2325G>C, p.Glu775Asp (NM_138270.5); short protein forms E775D, E813D.
Identifiers: ClinVar variation 4086530 (VCV004086530.1).